The following is an entry in ClinVar:

NM_003611.3(OFD1):c.1477A>G (p.Ile493Val)

Gene: OFD1 (OFD1 centriole and centriolar satellite protein; plus strand). Cytogenetic location: Xp22.2.
Variant type: single nucleotide variant.
Coding change: c.1477A>G on transcript NM_003611.3 (MANE Select); coding-DNA position 1477, A replaced by G.
Protein change: p.Ile493Val; replaces isoleucine 493 with valine.
Molecular consequence: missense variant.
Genome position (GRCh38, 1-based): chrX:13,757,725, A>G. VCF-style: chrX-13757725-A-G. GRCh37 (hg19) VCF-style: chrX-13775844-A-G.
Other names: c.1357A>G, p.Ile453Val (NM_001330209.2); c.1057A>G, p.Ile353Val (NM_001330210.2); short protein forms I353V, I493V, I453V.
Identifiers: ClinVar variation 2942503 (VCV002942503.3), dbSNP rs2518918656, ClinGen allele CA412343100.

ClinVar aggregate classification (germline): Uncertain significance (1 of 4 stars; one submission).

Conditions:
Joubert syndrome. Also called: CEREBELLOPARENCHYMAL DISORDER IV; JOUBERT-BOLTSHAUSER SYNDROME; Familial aplasia of the vermis. Identifiers: Orphanet 475, MedGen C5979921, MONDO:0018772.
Orofaciodigital syndrome I (OFD1). Also called: OFDS I; Papillon-Leage and Psaume Syndrome; Oral-Facial-Digital Syndrome Type I. Identifiers: Orphanet 2750, MedGen C1510460, MONDO:0010702, OMIM 311200.

Submission:

Labcorp Genetics (formerly Invitae), Labcorp
Classification: Uncertain significance for Orofaciodigital syndrome I; Joubert syndrome. Last evaluated: 2022-12-20. Review status: criteria provided, single submitter. Criteria: Invitae Variant Classification Sherloc (09022015). Collection method: clinical testing. Allele origin: germline.
Comment: Advanced modeling of protein sequence and biophysical properties (such as structural, functional, and spatial information, amino acid conservation, physicochemical variation, residue mobility, and thermodynamic stability) performed at Invitae indicates that this missense variant is not expected to disrupt OFD1 protein function. In summary, the available evidence is currently insufficient to determine the role of this variant in disease. Therefore, it has been classified as a Variant of Uncertain Significance. This variant has not been reported in the literature in individuals affected with OFD1-related conditions. This variant is not present in population databases (gnomAD no frequency). This sequence change replaces isoleucine, which is neutral and non-polar, with valine, which is neutral and non-polar, at codon 493 of the OFD1 protein (p.Ile493Val).